The following is an entry in ClinVar:

ClinVar aggregate classification (germline): Uncertain significance. Review status: criteria provided, multiple submitters, no conflicts (2 of 4 stars). 2 submissions from 2 submitters: Uncertain significance (2). Last evaluated 2025-06-11.

Conditions:
TNRC6B-related disorder. Also called: TNRC6B-related condition.

Allele frequency attached by ClinVar (database versions not stated): gnomAD 0.00001; TOPMed 0.00001; ExAC 0.00002.

Submissions (2):

Women's Health and Genetics/Laboratory Corporation of America, LabCorp
Classification: Uncertain significance. Last evaluated: 2025-06-11. Review status: criteria provided, single submitter. Criteria: LabCorp Variant Classification Summary - May 2015. Collection method: clinical testing. Allele origin: germline.
Comment: Variant summary: TNRC6B c.1325A>G (p.Asn442Ser) results in a conservative amino acid change in the encoded protein sequence. Algorithms developed to predict the effect of missense changes on protein structure and function are either unavailable or do not agree on the potential impact of this missense change. The variant allele was found at a frequency of 1.6e-05 in 249028 control chromosomes. The available data on variant occurrences in the general population are insufficient to allow any conclusion about variant significance. To our knowledge, no occurrence of c.1325A>G in individuals affected with Global Developmental Delay With Speech And Behavioral Abnormalities and no experimental evidence demonstrating its impact on protein function have been reported. ClinVar contains an entry for this variant (Variation ID: 2636253). Based on the evidence outlined above, the variant was classified as uncertain significance.

PreventionGenetics, part of Exact Sciences
Classification: Uncertain significance for TNRC6B-related condition. Last evaluated: 2023-09-05. Review status: criteria provided, single submitter. Criteria: ACMG Guidelines, 2015. Collection method: clinical testing. Allele origin: germline.
Comment: The TNRC6B c.1325A>G variant is predicted to result in the amino acid substitution p.Asn442Ser. To our knowledge, this variant has not been reported in the literature. This variant is reported in 0.0029% of alleles in individuals of Latino descent in gnomAD. At this time, the clinical significance of this variant is uncertain due to the absence of conclusive functional and genetic evidence.

NM_001162501.2(TNRC6B):c.1325A>G (p.Asn442Ser)

Gene: TNRC6B (trinucleotide repeat containing adaptor 6B; plus strand). Cytogenetic location: 22q13.1.
Variant type: single nucleotide variant.
Coding change: c.1325A>G on transcript NM_001162501.2 (MANE Select); coding-DNA position 1325, A replaced by G.
Protein change: p.Asn442Ser; replaces asparagine 442 with serine.
Molecular consequence: missense variant. On other transcripts: intron variant (1).
Genome position (GRCh38, 1-based): chr22:40,265,555, A>G. VCF-style: chr22-40265555-A-G. GRCh37 (hg19) VCF-style: chr22-40661559-A-G.
Other names: c.1325A>G, p.Asn442Ser (NM_015088.3); c.565+3382A>G (NM_001024843.2); short protein forms N442S.
Identifiers: ClinVar variation 2636253 (VCV002636253.2), dbSNP rs757174572, ClinGen allele CA10246679.